The following is an entry in ClinVar:

ClinVar aggregate classification (germline): Uncertain significance. Review status: criteria provided, multiple submitters, no conflicts (2 of 4 stars). 3 submissions from 3 submitters: Uncertain significance (3). Last evaluated 2025-07-23.

Conditions:
Hypertrophic cardiomyopathy. Also called: HYPERTROPHIC MYOCARDIOPATHY. Identifiers: Orphanet 217569, MedGen C0007194, MeSH D002312, MONDO:0005045, HP:0001639.
Cardiovascular phenotype. Identifiers: MedGen CN230736.

Allele frequency attached by ClinVar (database versions not stated): gnomAD 0.00001.
gnomAD v4.1: 1 of 1,614,002 alleles (0.000062%); highest among the groups gnomAD compares: African/African-American, 0.0013%; no homozygotes.

Submissions (3):

GeneDx
Classification: Uncertain significance. Last evaluated: 2025-07-23. Review status: criteria provided, single submitter. Criteria: GeneDx Variant Classification Process June 2021. Collection method: clinical testing. Allele origin: germline. Affected: yes.
Comment: Not observed at significant frequency in large population cohorts (gnomAD); In silico analysis suggests that this missense variant does not alter protein structure/function; Has not been previously published as pathogenic or benign to our knowledge; This variant is associated with the following publications: (PMID: 27532257, 29300372)

Labcorp Genetics (formerly Invitae), Labcorp
Classification: Uncertain significance for Hypertrophic cardiomyopathy. Last evaluated: 2024-10-16. Review status: criteria provided, single submitter. Criteria: Invitae Variant Classification Sherloc (09022015). Collection method: clinical testing. Allele origin: germline.
Comment: This sequence change replaces alanine, which is neutral and non-polar, with serine, which is neutral and polar, at codon 550 of the MYH7 protein (p.Ala550Ser). This variant is not present in population databases (gnomAD no frequency). This variant has not been reported in the literature in individuals affected with MYH7-related conditions. ClinVar contains an entry for this variant (Variation ID: 2563063). Invitae Evidence Modeling of protein sequence and biophysical properties (such as structural, functional, and spatial information, amino acid conservation, physicochemical variation, residue mobility, and thermodynamic stability) indicates that this missense variant is expected to disrupt MYH7 protein function with a positive predictive value of 95%. In summary, the available evidence is currently insufficient to determine the role of this variant in disease. Therefore, it has been classified as a Variant of Uncertain Significance.

Ambry Genetics
Classification: Uncertain significance for Cardiovascular phenotype. Last evaluated: 2023-06-16. Review status: criteria provided, single submitter. Criteria: Ambry Variant Classification Scheme 2023. Collection method: clinical testing. Allele origin: germline.
Comment: The p.A550S variant (also known as c.1648G>T), located in coding exon 14 of the MYH7 gene, results from a G to T substitution at nucleotide position 1648. The alanine at codon 550 is replaced by serine, an amino acid with similar properties. This amino acid position is well conserved in available vertebrate species. In addition, the in silico prediction for this alteration is inconclusive. Since supporting evidence is limited at this time, the clinical significance of this alteration remains unclear.

NM_000257.4(MYH7):c.1648G>T (p.Ala550Ser)

Gene: MYH7 (myosin heavy chain 7; minus strand). Cytogenetic location: 14q11.2.
Variant type: single nucleotide variant.
Coding change: c.1648G>T on transcript NM_000257.4 (MANE Select); coding-DNA position 1648, G replaced by T.
Protein change: p.Ala550Ser; replaces alanine 550 with serine.
Molecular consequence: missense variant.
Genome position (GRCh38, 1-based): chr14:23,427,825, C>A on the plus strand (G>T on the coding strand, the complement: MYH7 is on the minus strand). VCF-style: chr14-23427825-C-A. GRCh37 (hg19) VCF-style: chr14-23897034-C-A.
Other names: c.1648G>T, p.Ala550Ser (NM_001407004.1); short protein forms A550S.
Identifiers: ClinVar variation 2563063 (VCV002563063.6), dbSNP rs1892755449, ClinGen allele CA389050120.
Genomic context (GRCh38, chr14:23,427,825, plus strand): 5'-TGATATTGCGTGGCTTCTGGAAGTTGGCGGATTTGCCCAGGTGGTTGTCAAACAGCTTGG[C>A]CTTGAAGGTCATGTCGGTGGCCTTGGGGAACATGCACTCCTCTTCCAGGATGGACATGAT-3'
Protein context (NP_000248.2, residues 540-560): FPKATDMTFK[Ala550Ser]KLFDNHLGKS